The following is an entry in ClinVar:

ClinVar aggregate classification (germline): Uncertain significance. Review status: criteria provided, multiple submitters, no conflicts (2 of 4 stars). 2 submissions from 2 submitters: Uncertain significance (2). Last evaluated 2025-08-25.

Conditions:
Inborn genetic diseases. Identifiers: MedGen C0950123, MeSH D030342.

Allele frequency attached by ClinVar (database versions not stated): ExAC 0.00001; gnomAD 0.00001; gnomAD exomes 0.00001; TOPMed 0.00002.
gnomAD v4.1: 12 of 1,613,810 alleles (0.00074%); highest among the groups gnomAD compares: Non-Finnish European, 0.001%; no homozygotes.

Submissions (2):

Labcorp Genetics (formerly Invitae), Labcorp
Classification: Uncertain significance. Last evaluated: 2025-08-25. Review status: criteria provided, single submitter. Criteria: Invitae Variant Classification Sherloc (09022015). Collection method: clinical testing. Allele origin: germline.
Comment: This sequence change replaces lysine, which is basic and polar, with threonine, which is neutral and polar, at codon 633 of the SLC6A19 protein (p.Lys633Thr). This variant is present in population databases (rs754623595, gnomAD 0.0009%). This variant has not been reported in the literature in individuals affected with SLC6A19-related conditions. ClinVar contains an entry for this variant (Variation ID: 1907130). Invitae Evidence Modeling of protein sequence and biophysical properties (such as structural, functional, and spatial information, amino acid conservation, physicochemical variation, residue mobility, and thermodynamic stability) indicates that this missense variant is not expected to disrupt SLC6A19 protein function with a negative predictive value of 95%. In summary, the available evidence is currently insufficient to determine the role of this variant in disease. Therefore, it has been classified as a Variant of Uncertain Significance.

Ambry Genetics
Classification: Uncertain significance for Inborn genetic diseases. Last evaluated: 2024-09-27. Review status: criteria provided, single submitter. Criteria: Ambry Variant Classification Scheme 2023. Collection method: clinical testing. Allele origin: germline.

NM_001003841.3(SLC6A19):c.1898A>C (p.Lys633Thr)

Gene: SLC6A19 (solute carrier family 6 member 19; plus strand). Cytogenetic location: 5p15.33.
Variant type: single nucleotide variant.
Coding change: c.1898A>C on transcript NM_001003841.3 (MANE Select); coding-DNA position 1898, A replaced by C.
Protein change: p.Lys633Thr; replaces lysine 633 with threonine.
Molecular consequence: missense variant.
Genome position (GRCh38, 1-based): chr5:1,221,897, A>C. VCF-style: chr5-1221897-A-C. GRCh37 (hg19) VCF-style: chr5-1222012-A-C.
Other names: c.1898A>C (NM_001003841.2); short protein forms K633T.
Identifiers: ClinVar variation 1907130 (VCV001907130.6), dbSNP rs754623595, ClinGen allele CA3183318.